The following is an entry in ClinVar:

NM_000466.3(PEX1):c.2715C>G (p.Val905=)

Gene: PEX1 (peroxisomal biogenesis factor 1; minus strand). Cytogenetic location: 7q21.2.
Variant type: single nucleotide variant.
Coding change: c.2715C>G on transcript NM_000466.3 (MANE Select); coding-DNA position 2715, C replaced by G.
Protein change: p.Val905=; no amino-acid change (valine 905 retained).
Molecular consequence: synonymous variant.
Genome position (GRCh38, 1-based): chr7:92,499,707, G>C on the plus strand (C>G on the coding strand, the complement: PEX1 is on the minus strand). VCF-style: chr7-92499707-G-C. GRCh37 (hg19) VCF-style: chr7-92129021-G-C.
Other names: c.2544C>G, p.Val848= (NM_001282677.2); c.2091C>G, p.Val697= (NM_001282678.2).
Identifiers: ClinVar variation 1160262 (VCV001160262.15), dbSNP rs748602242, ClinGen allele CA4341054.
Genomic context (GRCh38, chr7:92,499,707, plus strand): 5'-AACTGCATTTATGTTAATTTTACCTAAATAAAAAAAGAAGATAAGTAGACAACATACCTT[G>C]ACACTTATAAAATTCATTCTACTCTCTCGTGCAATTACCCCAGCTAGTAAGGTTTTTCCT-3'
Protein context (NP_000457.1, residues 895-915): ARESRMNFIS[Val905=]KGPELLSKYI

ClinVar aggregate classification (germline): Likely benign. Review status: criteria provided, multiple submitters, no conflicts (2 of 4 stars). 2 submissions from 2 submitters: Likely benign (2). Last evaluated 2025-12-01.

Conditions:
Zellweger spectrum disorders (ZS). Also called: Zellweger Spectrum Disorder; Zellweger Spectrum; Zellweger syndrome; Zellweger Spectrum Disorder (ZSD). Identifiers: Orphanet 912, MedGen C0043459, MONDO:0019609.

Allele frequency attached by ClinVar (database versions not stated): TOPMed below 0.00001; ExAC 0.00001; gnomAD exomes 0.00001 and 0.00002.
gnomAD v4.1: 9 of 1,611,172 alleles (0.00056%); highest among the groups gnomAD compares: Non-Finnish European, 0.00076%; no homozygotes.

Submissions (2):

CeGaT Center for Human Genetics Tuebingen
Classification: Likely benign. Last evaluated: 2025-12-01. Review status: criteria provided, single submitter. Criteria: CeGaT Center For Human Genetics Tuebingen Variant Classification Criteria Version 2. Collection method: clinical testing. Allele origin: germline. Affected: yes. Observed: 1 variant allele.
Comment: PEX1: BP4, BP7

Labcorp Genetics (formerly Invitae), Labcorp
Classification: Likely benign for Zellweger spectrum disorders. Last evaluated: 2022-02-11. Review status: criteria provided, single submitter. Criteria: Invitae Variant Classification Sherloc (09022015). Collection method: clinical testing. Allele origin: germline.